The following is an entry in ClinVar:

ClinVar aggregate classification (germline): Uncertain significance (1 of 4 stars; one submission).

Conditions:
Perlman syndrome (PRLMNS). Identifiers: Orphanet 2849, MedGen C0796113, MONDO:0009965, OMIM 267000.

Submission:

Labcorp Genetics (formerly Invitae), Labcorp
Classification: Uncertain significance for Perlman syndrome. Last evaluated: 2021-07-22. Review status: criteria provided, single submitter. Criteria: Invitae Variant Classification Sherloc (09022015). Collection method: clinical testing. Allele origin: germline.
Comment: In summary, the available evidence is currently insufficient to determine the role of this variant in disease. Therefore, it has been classified as a Variant of Uncertain Significance. Algorithms developed to predict the effect of missense changes on protein structure and function (SIFT, PolyPhen-2, Align-GVGD) all suggest that this variant is likely to be tolerated. This variant has not been reported in the literature in individuals affected with DIS3L2-related conditions. This sequence change replaces alanine with glycine at codon 716 of the DIS3L2 protein (p.Ala716Gly). The alanine residue is moderately conserved and there is a small physicochemical difference between alanine and glycine. This variant is not present in population databases (ExAC no frequency).

NM_152383.5(DIS3L2):c.2147C>G (p.Ala716Gly)

Gene: DIS3L2 (DIS3 like 3'-5' exoribonuclease 2; plus strand). Cytogenetic location: 2q37.1.
Variant type: single nucleotide variant.
Coding change: c.2147C>G on transcript NM_152383.5 (MANE Select); coding-DNA position 2147, C replaced by G.
Protein change: p.Ala716Gly; replaces alanine 716 with glycine.
Molecular consequence: missense variant. On other transcripts: non-coding transcript variant (2), intron variant (1).
Genome position (GRCh38, 1-based): chr2:232,333,976, C>G. VCF-style: chr2-232333976-C-G. GRCh37 (hg19) VCF-style: chr2-233198686-C-G.
Other names: c.1582-9369C>G (NM_001257281.2); short protein forms A716G.
Identifiers: ClinVar variation 1449919 (VCV001449919.8), dbSNP rs2106353696, ClinGen allele CA350977573.